The following is an entry in ClinVar:

NM_001048174.2(MUTYH):c.1378A>G (p.Thr460Ala)

Gene: MUTYH (mutY DNA glycosylase; minus strand). Cytogenetic location: 1p34.1.
Variant type: single nucleotide variant.
Coding change: c.1378A>G on transcript NM_001048174.2 (MANE Select); coding-DNA position 1378, A replaced by G.
Protein change: p.Thr460Ala; replaces threonine 460 with alanine.
Molecular consequence: missense variant. On other transcripts: non-coding transcript variant (2).
Genome position (GRCh38, 1-based): chr1:45,331,196, T>C on the plus strand (A>G on the coding strand, the complement: MUTYH is on the minus strand). VCF-style: chr1-45331196-T-C. GRCh37 (hg19) VCF-style: chr1-45796868-T-C.
Other names: c.1378A>G, p.Thr460Ala (NM_001048171.2, NM_001048173.2, NM_001293195.2); c.1381A>G, p.Thr461Ala (NM_001048172.2); c.1462A>G, p.Thr488Ala (NM_001128425.2); c.1423A>G, p.Thr475Ala (NM_001293190.2); c.1411A>G, p.Thr471Ala (NM_001293191.2); c.1102A>G, p.Thr368Ala (NM_001293192.2, NM_001293196.2); c.1033A>G, p.Thr345Ala (NM_001350650.2, NM_001350651.2); c.1453A>G, p.Thr485Ala (NM_012222.3); short protein forms T488A, T345A, T368A, T460A, T461A, T485A, T471A, T475A.
Identifiers: ClinVar variation 490033 (VCV000490033.19), dbSNP rs768222428, ClinGen allele CA340132508.

ClinVar aggregate classification (germline): Conflicting classifications of pathogenicity. Review status: criteria provided, conflicting classifications (1 of 4 stars). 3 submissions from 3 submitters: Uncertain significance (2); Likely benign (1). Last evaluated 2025-09-09.

Conditions:
Hereditary cancer-predisposing syndrome. Also called: Hereditary neoplastic syndrome; Hereditary Cancer Syndrome; Neoplastic Syndromes, Hereditary; Tumor predisposition. Identifiers: Orphanet 140162, MedGen C0027672, MeSH D009386, MONDO:0015356.
Familial adenomatous polyposis 2. Also called: MYH-associated polyposis; COLORECTAL ADENOMATOUS POLYPOSIS, AUTOSOMAL RECESSIVE; ADENOMAS, MULTIPLE COLORECTAL, AUTOSOMAL RECESSIVE; MUTYH-related attenuated familial adenomatous polyposis; Adenomas, multiple colorectal; FAP type 2. Identifiers: Orphanet 220460, Orphanet 247798, MedGen C3272841, MONDO:0012041, OMIM 608456.

Allele frequency attached by ClinVar (database versions not stated): gnomAD exomes below 0.00001; TOPMed below 0.00001.
gnomAD v4.1: 1 of 1,614,124 alleles (0.000062%); highest among the groups gnomAD compares: Non-Finnish European, 0.000085%; no homozygotes.

Submissions (3):

Ambry Genetics
Classification: Likely benign for Hereditary cancer-predisposing syndrome. Last evaluated: 2025-09-09. Review status: criteria provided, single submitter. Criteria: Ambry Variant Classification Scheme 2023. Collection method: clinical testing. Allele origin: germline.

Color Diagnostics, LLC DBA Color Health
Classification: Uncertain significance for Hereditary cancer-predisposing syndrome. Last evaluated: 2023-12-05. Review status: criteria provided, single submitter. Criteria: ACMG Guidelines, 2015. Collection method: clinical testing. Allele origin: germline.
Comment: This missense variant replaces threonine with alanine at codon 488 of the MUTYH protein. Computational prediction is inconclusive regarding the impact of this variant on protein structure and function (internally defined REVEL score threshold 0.5 < inconclusive < 0.7, PMID: 27666373). To our knowledge, functional studies have not been reported for this variant. This variant has not been reported in individuals affected with MUTYH-related disorders in the literature. This variant has not been identified in the general population by the Genome Aggregation Database (gnomAD). The available evidence is insufficient to determine the role of this variant in disease conclusively. Therefore, this variant is classified as a Variant of Uncertain Significance.

Labcorp Genetics (formerly Invitae), Labcorp
Classification: Uncertain significance for Familial adenomatous polyposis 2. Last evaluated: 2023-06-21. Review status: criteria provided, single submitter. Criteria: Invitae Variant Classification Sherloc (09022015). Collection method: clinical testing. Allele origin: germline.
Comment: In summary, the available evidence is currently insufficient to determine the role of this variant in disease. Therefore, it has been classified as a Variant of Uncertain Significance. An algorithm developed to predict the effect of missense changes on protein structure and function (PolyPhen-2) suggests that this variant is likely to be tolerated. ClinVar contains an entry for this variant (Variation ID: 490033). This variant has not been reported in the literature in individuals affected with MUTYH-related conditions. This variant is not present in population databases (gnomAD no frequency). This sequence change replaces threonine, which is neutral and polar, with alanine, which is neutral and non-polar, at codon 488 of the MUTYH protein (p.Thr488Ala).